The following is an entry in ClinVar:

NM_003254.3(TIMP1):c.305G>A (p.Arg102His)

Genes: SYN1 (synapsin I; minus strand), TIMP1 (TIMP metallopeptidase inhibitor 1; plus strand). Cytogenetic location: Xp11.3.
Variant type: single nucleotide variant.
Coding change: c.305G>A on transcript NM_003254.3 (MANE Select); coding-DNA position 305, G replaced by A.
Protein change: p.Arg102His; replaces arginine 102 with histidine.
Molecular consequence: missense variant. On other transcripts: intron variant (2).
Genome position (GRCh38, 1-based): chrX:47,585,308, G>A. VCF-style: chrX-47585308-G-A. GRCh37 (hg19) VCF-style: chrX-47444707-G-A.
Other names: c.775-7807C>T (NM_133499.2, NM_006950.3); short protein forms R102H.
Identifiers: ClinVar variation 4820804 (VCV004820804.4).

ClinVar aggregate classification (germline): Likely benign (1 of 4 stars; one submission).

gnomAD v4.1: 170 of 1,209,797 alleles (0.014%); highest among the groups gnomAD compares: Middle Eastern, 0.16%; no homozygotes.

Submission:

CeGaT Center for Human Genetics Tuebingen
Classification: Likely benign. Last evaluated: 2026-07-01. Review status: criteria provided, single submitter. Criteria: CeGaT Center For Human Genetics Tuebingen Variant Classification Criteria Version 2. Collection method: clinical testing. Allele origin: germline. Affected: yes. Observed: 3 variant alleles.
Comment: TIMP1: BS2